The following is an entry in ClinVar:

ClinVar aggregate classification (germline): Uncertain significance. Review status: criteria provided, multiple submitters, no conflicts (2 of 4 stars). 2 submissions from 2 submitters: Uncertain significance (2). Last evaluated 2025-12-01.

Conditions:
Cardiovascular phenotype. Identifiers: MedGen CN230736.
DK1-congenital disorder of glycosylation. Also called: DOLK-congenital disorder of glycosylation; Carbohydrate deficient glycoprotein syndrome type 1m; CDG Im; DK1 DEFICIENCY; DOLICHOL KINASE DEFICIENCY; DK1-CDG. Identifiers: Orphanet 91131, MedGen C1835849, MONDO:0012556, OMIM 610768.

Allele frequency attached by ClinVar (database versions not stated): ExAC 0.00001; gnomAD 0.00001; gnomAD exomes 0.00001 and 0.00002; TOPMed 0.00001.

Submissions (2):

Labcorp Genetics (formerly Invitae), Labcorp
Classification: Uncertain significance for DK1-congenital disorder of glycosylation. Last evaluated: 2025-12-01. Review status: criteria provided, single submitter. Criteria: Invitae Variant Classification Sherloc (09022015). Collection method: clinical testing. Allele origin: germline.
Comment: This sequence change replaces isoleucine, which is neutral and non-polar, with valine, which is neutral and non-polar, at codon 165 of the DOLK protein (p.Ile165Val). This variant is present in population databases (rs762432181, gnomAD 0.002%). This variant has not been reported in the literature in individuals affected with DOLK-related conditions. ClinVar contains an entry for this variant (Variation ID: 1517938). Invitae Evidence Modeling of protein sequence and biophysical properties (such as structural, functional, and spatial information, amino acid conservation, physicochemical variation, residue mobility, and thermodynamic stability) indicates that this missense variant is not expected to disrupt DOLK protein function with a negative predictive value of 80%. In summary, the available evidence is currently insufficient to determine the role of this variant in disease. Therefore, it has been classified as a Variant of Uncertain Significance.

Ambry Genetics
Classification: Uncertain significance for Cardiovascular phenotype. Last evaluated: 2025-03-22. Review status: criteria provided, single submitter. Criteria: Ambry Variant Classification Scheme 2023. Collection method: clinical testing. Allele origin: germline.

NM_014908.4(DOLK):c.493A>G (p.Ile165Val)

Gene: DOLK (dolichol kinase; minus strand). Cytogenetic location: 9q34.11.
Variant type: single nucleotide variant.
Coding change: c.493A>G on transcript NM_014908.4 (MANE Select); coding-DNA position 493, A replaced by G.
Protein change: p.Ile165Val; replaces isoleucine 165 with valine.
Molecular consequence: missense variant.
Genome position (GRCh38, 1-based): chr9:128,946,811, T>C on the plus strand (A>G on the coding strand, the complement: DOLK is on the minus strand). VCF-style: chr9-128946811-T-C. GRCh37 (hg19) VCF-style: chr9-131709090-T-C.
Other names: short protein forms I165V.
Identifiers: ClinVar variation 1517938 (VCV001517938.8), dbSNP rs762432181, ClinGen allele CA5271735.